The following is an entry in ClinVar:

ClinVar aggregate classification (germline): Uncertain significance (1 of 4 stars; one submission).

Submission:

GeneDx
Classification: Uncertain significance. Last evaluated: 2025-03-17. Review status: criteria provided, single submitter. Criteria: GeneDx Variant Classification Process June 2021. Collection method: clinical testing. Allele origin: germline. Affected: yes.
Comment: Not observed at significant frequency in large population cohorts (gnomAD); Canonical splice site variant in a gene for which loss-of-function is not an established mechanism of disease; Has not been previously published as pathogenic or benign to our knowledge

NM_003587.5(DHX16):c.2148+1G>A

Gene: DHX16 (DEAH-box helicase 16; minus strand). Cytogenetic location: 6p21.33.
Variant type: single nucleotide variant.
Coding change: c.2148+1G>A on transcript NM_003587.5 (MANE Select); the canonical splice donor site of the intron after coding-DNA position 2148, G replaced by A.
Molecular consequence: splice donor variant.
Genome position (GRCh38, 1-based): chr6:30,656,951, C>T on the plus strand (G>A on the coding strand, the complement: DHX16 is on the minus strand). VCF-style: chr6-30656951-C-T. GRCh37 (hg19) VCF-style: chr6-30624728-C-T.
Other names: c.1968+1G>A (NM_001164239.2); c.705+1G>A (NM_001363515.2).
Identifiers: ClinVar variation 4086698 (VCV004086698.1).